The following is an entry in ClinVar:

ClinVar aggregate classification (germline): Uncertain significance (1 of 4 stars; one submission).

Allele frequency attached by ClinVar (database versions not stated): ExAC 0.00001; gnomAD 0.00001.

Submission:

Labcorp Genetics (formerly Invitae), Labcorp
Classification: Uncertain significance. Last evaluated: 2023-11-27. Review status: criteria provided, single submitter. Criteria: Invitae Variant Classification Sherloc (09022015). Collection method: clinical testing. Allele origin: germline.
Comment: This sequence change replaces alanine, which is neutral and non-polar, with threonine, which is neutral and polar, at codon 165 of the DNASE2 protein (p.Ala165Thr). This variant is present in population databases (rs758549402, gnomAD 0.02%). This variant has not been reported in the literature in individuals affected with DNASE2-related conditions. ClinVar contains an entry for this variant (Variation ID: 1988172). Algorithms developed to predict the effect of missense changes on protein structure and function output the following: SIFT: "Not Available"; PolyPhen-2: "Benign"; Align-GVGD: "Not Available". The threonine amino acid residue is found in multiple mammalian species, which suggests that this missense change does not adversely affect protein function. In summary, the available evidence is currently insufficient to determine the role of this variant in disease. Therefore, it has been classified as a Variant of Uncertain Significance.

NM_001375.3(DNASE2):c.493G>A (p.Ala165Thr)

Gene: DNASE2 (deoxyribonuclease 2, lysosomal; minus strand). Cytogenetic location: 19p13.13.
Variant type: single nucleotide variant.
Coding change: c.493G>A on transcript NM_001375.3 (MANE Select); coding-DNA position 493, G replaced by A.
Protein change: p.Ala165Thr; replaces alanine 165 with threonine.
Molecular consequence: missense variant.
Genome position (GRCh38, 1-based): chr19:12,878,688, C>T on the plus strand (G>A on the coding strand, the complement: DNASE2 is on the minus strand). VCF-style: chr19-12878688-C-T. GRCh37 (hg19) VCF-style: chr19-12989502-C-T.
Other names: short protein forms A165T.
Identifiers: ClinVar variation 1988172 (VCV001988172.2), dbSNP rs758549402, ClinGen allele CA9233775.
Genomic context (GRCh38, chr19:12,878,688, plus strand): 5'-CAGTAAACCCAGGACTCATCCTGTGTCCCTGACTCGACTTACCCATCTTCGAGAACTGAG[C>T]GAAGGGAAAAGACACACAGAGCAGGGTCTGCCCGTAGGTACAGGCGCTATGAGGCCAGCT-3'
Protein context (NP_001366.1, residues 155-175): QTLLCVSFPF[Ala165Thr]QFSKMGKQLT